The following is an entry in ClinVar:

ClinVar aggregate classification (germline): Pathogenic. Review status: reviewed by expert panel (3 of 4 stars). 14 submissions from 14 submitters: Pathogenic (1). 13 of the submissions do not count toward it. Last evaluated 2016-09-08.

Conditions:
Hereditary cancer-predisposing syndrome. Also called: Neoplastic Syndromes, Hereditary; Tumor predisposition; Hereditary Cancer Syndrome; Hereditary neoplastic syndrome. Identifiers: Orphanet 140162, MedGen C0027672, MeSH D009386, MONDO:0015356.
Hereditary breast ovarian cancer syndrome. Also called: Hereditary breast and ovarian cancer syndrome; Hereditary breast and ovarian cancer; Hereditary breast and ovarian cancer syndrome (HBOC); Breast and ovarian cancer; Hereditary breast and/or ovarian cancer syndrome; BRCA1- and BRCA2-Associated Hereditary Breast and Ovarian Cancer. Identifiers: Orphanet 145, MedGen C0677776, MeSH D061325, MONDO:0003582. Disease mechanism: loss of function.
Breast-ovarian cancer, familial, susceptibility to, 2 (BROVCA2). Also called: BRCA2 Hereditary Breast and Ovarian Cancer. Identifiers: Orphanet 145, MedGen C2675520, MONDO:0012933, OMIM 612555. Disease mechanism: loss of function.
Inherited breast cancer and ovarian cancer.
Breast and/or ovarian cancer. Identifiers: MedGen CN221562.

Submissions (14):

Evidence-based Network for the Interpretation of Germline Mutant Alleles (ENIGMA)
Classification: Pathogenic for Breast-ovarian cancer, familial, susceptibility to, 2. Last evaluated: 2016-09-08. Review status: reviewed by expert panel. Criteria: ENIGMA BRCA1/2 Classification Criteria (2015). Collection method: curation. Allele origin: germline.
Comment: Variant allele predicted to encode a truncated non-functional protein.

Labcorp Genetics (formerly Invitae), Labcorp
Classification: Pathogenic for Hereditary breast ovarian cancer syndrome. Last evaluated: 2025-12-22. Review status: criteria provided, single submitter. Criteria: Invitae Variant Classification Sherloc (09022015). Collection method: clinical testing. Allele origin: germline. Not counted in ClinVar's aggregate classification.
Comment: This sequence change creates a premature translational stop signal (p.Glu13*) in the BRCA2 gene. It is expected to result in an absent or disrupted protein product. Loss-of-function variants in BRCA2 are known to be pathogenic (PMID: 20104584). This variant is present in population databases (rs80359393, gnomAD 0.06%). This premature translational stop signal has been observed in individual(s) with hereditary breast and ovarian cancer (PMID: 11139249, 29446198). This variant is also known as c.265insT. ClinVar contains an entry for this variant (Variation ID: 51509). For these reasons, this variant has been classified as Pathogenic.

Cambridge Genomics Laboratory, East Genomic Laboratory Hub, NHS Genomic Medicine Service
Classification: Pathogenic for Inherited breast cancer and ovarian cancer. Last evaluated: 2025-03-11. Review status: criteria provided, single submitter. Criteria: ACGS Best Practice Guidelines for Variant Classification in Rare Disease 2020. Collection method: clinical testing. Allele origin: germline. Affected: yes. Not counted in ClinVar's aggregate classification.
Comment: PVS1,PM2_Supporting,PM5_Strong

Women's Health and Genetics/Laboratory Corporation of America, LabCorp
Classification: Pathogenic for Hereditary breast ovarian cancer syndrome. Last evaluated: 2024-02-26. Review status: criteria provided, single submitter. Criteria: LabCorp Variant Classification Summary - May 2015. Collection method: clinical testing. Allele origin: germline. Not counted in ClinVar's aggregate classification.
Comment: Variant summary: BRCA2 c.36dupT (p.Glu13X) results in a premature termination codon, predicted to cause absence of the protein due to nonsense mediated decay, which is a commonly known mechanismss for disease. The variant was absent in 251372 control chromosomes. c.36dupT has been reported in the literature in individuals affected with Hereditary Breast And Ovarian Cancer Syndrome (example, Gao_2020). To our knowledge, no experimental evidence demonstrating an impact on protein function has been reported. The following publication have been ascertained in the context of this evaluation (PMID: 31825140). ClinVar contains an entry for this variant (Variation ID: 51509). Based on the evidence outlined above, the variant was classified as pathogenic.

Color Diagnostics, LLC DBA Color Health
Classification: Pathogenic for Hereditary cancer-predisposing syndrome. Last evaluated: 2023-07-31. Review status: criteria provided, single submitter. Criteria: ACMG Guidelines, 2015. Collection method: clinical testing. Allele origin: germline. Not counted in ClinVar's aggregate classification.
Comment: This variant duplicates 1 nucleotide in exon 2 of the BRCA2 gene, creating a premature translation stop signal. This variant is expected to result in an absent or non-functional protein product. This variant is also known as 265insT in the literature. This variant has been reported in individuals with a personal or family history of breast and/or ovarian cancer (PMID: 11139249, 28692638, 29446198, 33471991). This variant has been identified in 1/31408 chromosomes in the general population by the Genome Aggregation Database (gnomAD). Loss of BRCA2 function is a known mechanism of disease. Based on the available evidence, this variant is classified as Pathogenic.

Ambry Genetics
Classification: Pathogenic for Hereditary cancer-predisposing syndrome. Last evaluated: 2022-10-07. Review status: criteria provided, single submitter. Criteria: Ambry Variant Classification Scheme 2023. Collection method: clinical testing. Allele origin: germline. Not counted in ClinVar's aggregate classification.
Comment: The c.36dupT pathogenic mutation, located in coding exon 1 of the BRCA2 gene, results from a duplication of T at nucleotide position 36, causing a translational frameshift with a predicted alternate stop codon (p.E13*). This pathogenic variant (referred to as 265insT) has been reported in one family with a strong history of breast cancer (Vaziri SA et al. Hum. Mutat. 2001;17:74). In addition to the clinical data presented in the literature, this alteration is expected to result in loss of function by premature protein truncation or nonsense-mediated mRNA decay. As such, this alteration is interpreted as a disease-causing mutation.

Quest Diagnostics Nichols Institute San Juan Capistrano
Classification: Pathogenic. Last evaluated: 2020-07-03. Review status: criteria provided, single submitter. Criteria: Quest Diagnostics criteria. Collection method: clinical testing. Allele origin: unknown. Not counted in ClinVar's aggregate classification.
Comment: The variant results in a shift of the reading frame, and is therefore predicted to result in the loss of a functional protein. Found in at least one patient with expected phenotype for this gene, and found in general population data at a frequency that is consistent with pathogenicity.

CHEO Genetics Diagnostic Laboratory, Children's Hospital of Eastern Ontario
Classification: Pathogenic for Breast and/or ovarian cancer. Last evaluated: 2019-08-21. Review status: criteria provided, single submitter. Criteria: ACMG Guidelines, 2015. Collection method: clinical testing. Allele origin: germline. Not counted in ClinVar's aggregate classification.

Department of Pathology and Molecular Medicine, Queen's University
Classification: Pathogenic for Hereditary breast ovarian cancer syndrome. Last evaluated: 2017-04-20. Review status: criteria provided, single submitter. Criteria: ACMG Guidelines, 2015. Collection method: clinical testing. Allele origin: germline. Study: The Canadian Open Genetics Repository (COGR). Not counted in ClinVar's aggregate classification.

Consortium of Investigators of Modifiers of BRCA1/2 (CIMBA), c/o University of Cambridge
Classification: Pathogenic for Breast-ovarian cancer, familial, susceptibility to, 2. Last evaluated: 2015-10-02. Review status: criteria provided, single submitter. Criteria: CIMBA Mutation Classification guidelines May 2016. Collection method: clinical testing. Allele origin: germline. Not counted in ClinVar's aggregate classification.

GeneDx
Classification: Pathogenic. Last evaluated: 2015-04-22. Review status: criteria provided, single submitter. Criteria: GeneDx Variant Classification (06012015). Collection method: clinical testing. Allele origin: germline. Affected: yes. Not counted in ClinVar's aggregate classification.
Comment: This duplication of one nucleotide is denoted BRCA2 c.36dupT at the cDNA level and p.Glu13Ter (E13X) at the protein level. The normal sequence, with the base that is duplicated in brackets, is ATTTTT[T]GAAA. The duplication creates a nonsense variant, which changes a Glutamic Acid to a premature stop codon. This variant is predicted to cause loss of normal protein function through either protein truncation or nonsense-mediated mRNA decay. BRCA2 c.36dupT, previously reported as 264dupT and 265insT using alternate nomenclature, has been observed in at least one family with hereditary breast cancer (Vaziri 2001). This variant is considered pathogenic.

Research Molecular Genetics Laboratory, Women's College Hospital, University of Toronto
Classification: Pathogenic for Hereditary breast ovarian cancer syndrome. Last evaluated: 2014-01-31. Review status: no assertion criteria provided. Collection method: research. Allele origin: germline. Affected: yes. Study: The Canadian Open Genetics Repository (COGR). Not counted in ClinVar's aggregate classification.

Sharing Clinical Reports Project (SCRP)
Classification: Pathogenic for Breast-ovarian cancer, familial 2. Last evaluated: 2008-07-15. Review status: no assertion criteria provided. Collection method: clinical testing. Allele origin: germline. Not counted in ClinVar's aggregate classification.

Breast Cancer Information Core (BIC) (BRCA2)
Classification: Pathogenic for Breast-ovarian cancer, familial 2. Review status: no assertion criteria provided. Collection method: clinical testing. Allele origin: germline. Affected: yes. Observed: 1 variant allele. Not counted in ClinVar's aggregate classification.

Literature cited by the submitters: PubMed 20104584 (cited by Labcorp Genetics (formerly Invitae), Labcorp); PubMed 11139249 (cited by 4 submitters); PubMed 29446198 (cited by 3 submitters); PubMed 31825140 (cited by Women's Health and Genetics/Laboratory Corporation of America, LabCorp and Quest Diagnostics Nichols Institute San Juan Capistrano); PubMed 28692638 (cited by Color Diagnostics, LLC DBA Color Health and Quest Diagnostics Nichols Institute San Juan Capistrano); PubMed 33471991 (cited by Color Diagnostics, LLC DBA Color Health); PubMed 19649703 (cited by Quest Diagnostics Nichols Institute San Juan Capistrano); PubMed 30702160 (cited by Quest Diagnostics Nichols Institute San Juan Capistrano).

NM_000059.4(BRCA2):c.36dup (p.Glu13Ter)

Gene: BRCA2 (BRCA2 DNA repair associated; plus strand). Cytogenetic location: 13q13.1.
Variant type: Duplication.
Coding change: c.36dup on transcript NM_000059.4 (MANE Select); coding-DNA position 36, one base duplicated (T; older notation c.36dupT).
Protein change: p.Glu13Ter; replaces glutamic acid 13 with a stop codon.
Molecular consequence: nonsense.
Genome position (GRCh38, 1-based): chr13:32,316,496, T duplicated; the last of 6 consecutive T bases (chr13:32,316,491-32,316,496); duplicating any one gives the same sequence. VCF-style (leftmost placement, unchanged base first): chr13-32316490-A-AT. GRCh37 (hg19) VCF-style: chr13-32890627-A-AT.
Other names: 264insT; c.36dupT (NM_000059.3); short protein forms E13*.
Identifiers: ClinVar variation 51509 (VCV000051509.27), dbSNP rs80359393, ClinGen allele CA018441.